The following is an entry in ClinVar:

ClinVar aggregate classification (germline): Uncertain significance (1 of 4 stars; one submission).

Conditions:
Baller-Gerold syndrome (BGS). Also called: CRANIOSYNOSTOSIS WITH RADIAL DEFECTS. Identifiers: Orphanet 1225, MedGen C0265308, MONDO:0009039, OMIM 218600.

Submission:

Labcorp Genetics (formerly Invitae), Labcorp
Classification: Uncertain significance for Baller-Gerold syndrome. Last evaluated: 2019-07-04. Review status: criteria provided, single submitter. Criteria: Invitae Variant Classification Sherloc (09022015). Collection method: clinical testing. Allele origin: germline.
Comment: This variant is not present in population databases (ExAC no frequency). This sequence change replaces alanine with glycine at codon 69 of the RECQL4 protein (p.Ala69Gly). The alanine residue is moderately conserved and there is a small physicochemical difference between alanine and glycine. This variant has not been reported in the literature in individuals with RECQL4-related conditions. In summary, the available evidence is currently insufficient to determine the role of this variant in disease. Therefore, it has been classified as a Variant of Uncertain Significance. Algorithms developed to predict the effect of missense changes on protein structure and function are either unavailable or do not agree on the potential impact of this missense change (SIFT: "Deleterious"; PolyPhen-2: "Possibly Damaging"; Align-GVGD: "Class C0").

NM_004260.4(RECQL4):c.206C>G (p.Ala69Gly)

Gene: RECQL4 (RecQ like helicase 4; minus strand). Cytogenetic location: 8q24.3.
Variant type: single nucleotide variant.
Coding change: c.206C>G on transcript NM_004260.4 (MANE Select); coding-DNA position 206, C replaced by G.
Protein change: p.Ala69Gly; replaces alanine 69 with glycine.
Molecular consequence: missense variant.
Genome position (GRCh38, 1-based): chr8:144,517,421, G>C on the plus strand (C>G on the coding strand, the complement: RECQL4 is on the minus strand). VCF-style: chr8-144517421-G-C. GRCh37 (hg19) VCF-style: chr8-145742805-G-C.
Other names: short protein forms A69G.
Identifiers: ClinVar variation 960405 (VCV000960405.5), dbSNP rs768035751, ClinGen allele CA372692491.